The following is an entry in ClinVar:

ClinVar aggregate classification (germline): Uncertain significance (1 of 4 stars; one submission).

Conditions:
Compton-North congenital myopathy (CMYO12). Identifiers: Orphanet 210163, MedGen C2675527, MONDO:0012929, OMIM 612540.

Allele frequency attached by ClinVar (database versions not stated): gnomAD exomes below 0.00001; TOPMed 0.00001.
gnomAD v4.1: 4 of 1,612,832 alleles (0.00025%); highest among the groups gnomAD compares: African/African-American, 0.004%; no homozygotes.

Submission:

Labcorp Genetics (formerly Invitae), Labcorp
Classification: Uncertain significance for Compton-North congenital myopathy. Last evaluated: 2021-11-27. Review status: criteria provided, single submitter. Criteria: Invitae Variant Classification Sherloc (09022015). Collection method: clinical testing. Allele origin: germline.
Comment: This sequence change replaces arginine, which is basic and polar, with lysine, which is basic and polar, at codon 580 of the CNTN1 protein (p.Arg580Lys). This variant is present in population databases (no rsID available, gnomAD 0.007%). This variant has not been reported in the literature in individuals affected with CNTN1-related conditions. Advanced modeling of protein sequence and biophysical properties (such as structural, functional, and spatial information, amino acid conservation, physicochemical variation, residue mobility, and thermodynamic stability) performed at Invitae indicates that this missense variant is not expected to disrupt CNTN1 protein function. In summary, the available evidence is currently insufficient to determine the role of this variant in disease. Therefore, it has been classified as a Variant of Uncertain Significance.

NM_001843.4(CNTN1):c.1739G>A (p.Arg580Lys)

Gene: CNTN1 (contactin 1; plus strand). Cytogenetic location: 12q12.
Variant type: single nucleotide variant.
Coding change: c.1739G>A on transcript NM_001843.4 (MANE Select); coding-DNA position 1739, G replaced by A.
Protein change: p.Arg580Lys; replaces arginine 580 with lysine.
Molecular consequence: missense variant.
Genome position (GRCh38, 1-based): chr12:40,959,169, G>A. VCF-style: chr12-40959169-G-A. GRCh37 (hg19) VCF-style: chr12-41352971-G-A.
Other names: c.1739G>A, p.Arg580Lys (NM_001256063.2, NM_001256064.2); c.1706G>A, p.Arg569Lys (NM_175038.2); short protein forms R569K, R580K.
Identifiers: ClinVar variation 1419920 (VCV001419920.6), dbSNP rs1286090767, ClinGen allele CA384425318.